The following is an entry in ClinVar:

NM_000393.5(COL5A2):c.3308C>T (p.Pro1103Leu)

Gene: COL5A2 (collagen type V alpha 2 chain; minus strand). Cytogenetic location: 2q32.2.
Variant type: single nucleotide variant.
Coding change: c.3308C>T on transcript NM_000393.5 (MANE Select); coding-DNA position 3308, C replaced by T.
Protein change: p.Pro1103Leu; replaces proline 1103 with leucine.
Molecular consequence: missense variant.
Genome position (GRCh38, 1-based): chr2:189,045,801, G>A on the plus strand (C>T on the coding strand, the complement: COL5A2 is on the minus strand). VCF-style: chr2-189045801-G-A. GRCh37 (hg19) VCF-style: chr2-189910527-G-A.
Other names: p.P1103L:CCG>CTG; short protein forms P1103L.
Identifiers: ClinVar variation 213116 (VCV000213116.26), dbSNP rs150401168, ClinGen allele CA320909.
Genomic context (GRCh38, chr2:189,045,801, plus strand): 5'-CTTATAACATAGCATATGGGTGTGCAAAACTGTCAGTGTGAAATTGACTCCCTCCTTACC[G>A]GATCTCCTCTTTGTCCTGCATCTCCTGGAGCACCCACAGGGCCAGGAGTTCCAGGGGCAC-3'
Protein context (NP_000384.2, residues 1093-1113): APGDAGQRGD[Pro1103Leu]GSRGPIGPPG

ClinVar aggregate classification (germline): Conflicting classifications of pathogenicity. Review status: criteria provided, conflicting classifications (1 of 4 stars). 8 submissions from 8 submitters: Uncertain significance (7); Likely benign (1). Last evaluated 2025-01-01.

Conditions:
Ehlers-Danlos syndrome (EDS). Identifiers: Orphanet 98249, MedGen C0013720, MONDO:0020066.
Ehlers-Danlos syndrome, classic type, 1 (EDSCL1). Also called: Ehlers-Danlos Syndrome, Classic Type, COL5A1-Related; EHLERS-DANLOS SYNDROME, GRAVIS TYPE; EHLERS-DANLOS SYNDROME, SEVERE CLASSIC TYPE; Ehlers-Danlos syndrome, type 1; EDS I. Identifiers: MedGen C0268335, MONDO:0019567, OMIM 130000.
Ehlers-Danlos syndrome, classic type, 2 (EDSCL2). Also called: Ehlers-Danlos Syndrome, Classic Type, COL5A2-Related; Ehlers-Danlos syndrome type 2 (formerly); Ehlers-Danlos syndrome, type 2. Identifiers: Orphanet 287, Orphanet 90318, MedGen C0268336, MONDO:0019568, OMIM 130010.
Ehlers-Danlos syndrome, arthrochalasia type. Also called: Ehlers-Danlos syndrome, arthrochalasis type; Ehlers-Danlos syndrome, arthrochalasia type, 1; ARTHROCHALASIS MULTIPLEX CONGENITA; EDS VII, MUTANT PROCOLLAGEN TYPE; EDS VIIA. Identifiers: Orphanet 1899, Orphanet 99875, Orphanet 99876, MedGen C4551623, MONDO:0007525, OMIM 130060.
Familial thoracic aortic aneurysm and aortic dissection (TAAD). Also called: Thoracic aortic aneurysms and dissections. Identifiers: Orphanet 91387, MedGen C4707243, MONDO:0019625.

Allele frequency attached by ClinVar (database versions not stated): gnomAD 0.00006; TOPMed 0.00002; ESP Exome Variant Server 0.00031; gnomAD exomes 0.00004; ExAC 0.00005.

Submissions (8):

Labcorp Genetics (formerly Invitae), Labcorp
Classification: Uncertain significance for Ehlers-Danlos syndrome, classic type, 1. Last evaluated: 2025-01-01. Review status: criteria provided, single submitter. Criteria: Invitae Variant Classification Sherloc (09022015). Collection method: clinical testing. Allele origin: germline.
Comment: This sequence change replaces proline, which is neutral and non-polar, with leucine, which is neutral and non-polar, at codon 1103 of the COL5A2 protein (p.Pro1103Leu). This variant is present in population databases (rs150401168, gnomAD 0.01%). This missense change has been observed in individual(s) with cervical artery dissection (PMID: 31903434). ClinVar contains an entry for this variant (Variation ID: 213116). Experimental studies and prediction algorithms are not available or were not evaluated, and the functional significance of this variant is currently unknown. In summary, the available evidence is currently insufficient to determine the role of this variant in disease. Therefore, it has been classified as a Variant of Uncertain Significance.

GeneDx
Classification: Uncertain significance. Last evaluated: 2024-12-11. Review status: criteria provided, single submitter. Criteria: GeneDx Variant Classification Process June 2021. Collection method: clinical testing. Allele origin: germline. Affected: yes.
Comment: Identified in a patient with right-sided internal carotid artery dissection who also carried a COL5A1 variant of uncertain significance (PMID: 31903434); In silico analysis supports that this missense variant has a deleterious effect on protein structure/function; This variant is associated with the following publications: (PMID: 31903434)

Ambry Genetics
Classification: Uncertain significance for Familial thoracic aortic aneurysm and aortic dissection. Last evaluated: 2024-07-24. Review status: criteria provided, single submitter. Criteria: Ambry Variant Classification Scheme 2023. Collection method: clinical testing. Allele origin: germline.
Comment: The p.P1103L variant (also known as c.3308C>T), located in coding exon 46 of the COL5A2 gene, results from a C to T substitution at nucleotide position 3308. The proline at codon 1103 is replaced by leucine, an amino acid with similar properties. This variant has been detected in an individual with carotid artery dissection (Traenka C et al. Eur Stroke J, 2019 Dec;4:355-362). This amino acid position is not well conserved in available vertebrate species. In addition, the in silico prediction for this alteration is inconclusive. Based on the available evidence, the clinical significance of this variant remains unclear.

Institute of Immunology and Genetics Kaiserslautern
Classification: Uncertain significance for Ehlers-Danlos syndrome, arthrochalasia type. Last evaluated: 2024-04-25. Review status: criteria provided, single submitter. Criteria: ACMG Guidelines, 2015. Collection method: clinical testing. Allele origin: germline. Affected: yes.
Comment: ACMG Criteria: PM2, PM5_P; Variant was found in heterozygous state

Women's Health and Genetics/Laboratory Corporation of America, LabCorp
Classification: Uncertain significance. Last evaluated: 2023-10-19. Review status: criteria provided, single submitter. Criteria: LabCorp Variant Classification Summary - May 2015. Collection method: clinical testing. Allele origin: germline.
Comment: Variant summary: COL5A2 c.3308C>T (p.Pro1103Leu) results in a non-conservative amino acid change in the encoded protein sequence. Four of five in-silico tools predict a damaging effect of the variant on protein function. Consensus agreement among computation tools predict no significant impact on normal splicing. However, these predictions have yet to be confirmed by functional studies. The variant allele was found at a frequency of 4e-05 in 251348 control chromosomes. The observed variant frequency is approximately 6.37 fold of the estimated maximal expected allele frequency for a pathogenic variant in COL5A2 causing Ehlers-Danlos Syndrome phenotype (6.3e-06), strongly suggesting that the variant is benign. c.3308C>T has been reported in at least one individual affected with cervical artery dissection (example: Traenka_2019), however, this report does not provide unequivocal conclusions about association of the variant with Ehlers-Danlos Syndrome. To our knowledge, no experimental evidence demonstrating an impact on protein function has been reported. Four submitters have cited clinical-significance assessments for this variant to ClinVar after 2014; all submitters classified the variant as uncertain significance. Based on the evidence outlined above, the variant was classified as VUS-possibly benign.

Revvity Omics, Revvity
Classification: Uncertain significance for Ehlers-Danlos syndrome, classic type, 2. Last evaluated: 2020-05-06. Review status: criteria provided, single submitter. Criteria: ACMG Guidelines, 2015. Collection method: clinical testing. Allele origin: germline.

Cambridge Genomics Laboratory, East Genomic Laboratory Hub, NHS Genomic Medicine Service
Classification: Likely benign for Ehlers-Danlos syndrome. Last evaluated: 2019-10-24. Review status: criteria provided, single submitter. Criteria: ACGS Best Practice Guidelines for Variant Classification in Rare Disease 2020. Collection method: clinical testing. Allele origin: germline. Affected: yes. Observed: 1 variant allele.

Mayo Clinic Laboratories, Mayo Clinic
Classification: Uncertain significance. Last evaluated: 2019-10-07. Review status: criteria provided, single submitter. Criteria: ACMG Guidelines, 2015. Collection method: clinical testing. Allele origin: germline. Observed: 1 variant allele.

Literature cited by the submitters: PubMed 31903434 (cited by 3 submitters).